The following is an entry in ClinVar:

ClinVar aggregate classification (germline): Pathogenic (1 of 4 stars; one submission).

Conditions:
Cardiovascular phenotype. Identifiers: MedGen CN230736.

Submission:

Ambry Genetics
Classification: Pathogenic for Cardiovascular phenotype. Last evaluated: 2024-06-04. Review status: criteria provided, single submitter. Criteria: Ambry Variant Classification Scheme 2023. Collection method: clinical testing. Allele origin: germline.
Comment: The c.3658_3667del10 pathogenic mutation, located in coding exon 33 of the MYBPC3 gene, results from a deletion of 10 nucleotides at nucleotide positions 3658 to 3667, causing a translational frameshift with a predicted alternate stop codon (p.D1220Kfs*14). This variant has been reported in association with left ventricular hypertrophy (Gandjbakhch E et al. Eur Heart J, 2010 Jul;31:1599-607). This variant is considered to be rare based on population cohorts in the Genome Aggregation Database (gnomAD). In addition to the clinical data presented in the literature, this alteration is expected to result in loss of function by premature protein truncation or nonsense-mediated mRNA decay. As such, this alteration is interpreted as a disease-causing mutation.

Literature cited by the submitters: PubMed 20439259.

NM_000256.3(MYBPC3):c.3658_3667del (p.Asp1220fs)

Gene: MYBPC3 (myosin binding protein C3; minus strand). Cytogenetic location: 11p11.2.
Variant type: Deletion.
Coding change: c.3658_3667del on transcript NM_000256.3 (MANE Select); coding-DNA positions 3658 to 3667, 10 bases deleted (GACCTGGGAG; older notation c.3658_3667delGACCTGGGAG).
Protein change: p.Asp1220fs; shifts the reading frame from aspartic acid 1220.
Molecular consequence: frameshift variant.
Genome position (GRCh38, 1-based): chr11:47,332,219-47,332,228, CTCCCAGGTC deleted on the plus strand (GACCTGGGAG on the coding strand, the reverse complement: MYBPC3 is on the minus strand); deleting any 10 consecutive bases within chr11:47,332,219-47,332,229 gives the same sequence; the c. name uses the placement nearest the transcript's 3' end. VCF-style (leftmost placement, unchanged base first): chr11-47332218-TCTCCCAGGTC-T. GRCh37 (hg19) VCF-style: chr11-47353769-TCTCCCAGGTC-T.
Other names: c.3658_3667del10 (NM_000256.3); short protein forms D1220fs.
Identifiers: ClinVar variation 3297227 (VCV003297227.1).